The following is an entry in ClinVar:

NM_007294.4(BRCA1):c.900A>C (p.Glu300Asp)

Gene: BRCA1 (BRCA1 DNA repair associated; minus strand). Cytogenetic location: 17q21.31.
Variant type: single nucleotide variant.
Coding change: c.900A>C on transcript NM_007294.4 (MANE Select); coding-DNA position 900, A replaced by C.
Protein change: p.Glu300Asp; replaces glutamic acid 300 with aspartic acid.
Molecular consequence: missense variant. On other transcripts: intron variant (137).
Genome position (GRCh38, 1-based): chr17:43,094,631, T>G on the plus strand (A>C on the coding strand, the complement: BRCA1 is on the minus strand). VCF-style: chr17-43094631-T-G. GRCh37 (hg19) VCF-style: chr17-41246648-T-G.
Other names: c.900A>C, p.Glu300Asp (NM_001407603.1, NM_001407605.1, NM_001407616.1 and 30 more transcripts); c.897A>C, p.Glu299Asp (NM_001407610.1, NM_001407611.1, NM_001407612.1 and 22 more transcripts); c.891A>C, p.Glu297Asp (NM_001407647.1, NM_001407646.1); c.777A>C, p.Glu259Asp (NM_001407648.1, NM_001407668.1, NM_001407669.1 and 19 more transcripts); c.774A>C, p.Glu258Asp (NM_001407649.1, NM_001407670.1, NM_001407671.1 and 11 more transcripts); c.822A>C, p.Glu274Asp (NM_001407653.1, NM_001407654.1, NM_001407655.1 and 4 more transcripts); c.759A>C, p.Glu253Asp (NM_001407692.1, NM_001407694.1, NM_001407695.1 and 29 more transcripts); c.756A>C, p.Glu252Asp (NM_001407740.1, NM_001407741.1, NM_001407838.1 and 20 more transcripts); and 40 more; short protein forms E300D, E253D, E132D, E188D, E252D, E273D, E274D, E211D.
Identifiers: ClinVar variation 55747 (VCV000055747.26), dbSNP rs80356861, ClinGen allele CA003957.

ClinVar aggregate classification (germline): Conflicting classifications of pathogenicity. Review status: criteria provided, conflicting classifications (1 of 4 stars). 8 submissions from 8 submitters: Uncertain significance (6); Likely benign (1). 1 of the submissions does not count toward it. Last evaluated 2025-08-25.

Conditions:
Hereditary cancer-predisposing syndrome. Also called: Hereditary Cancer Syndrome; Hereditary neoplastic syndrome; Neoplastic Syndromes, Hereditary; Tumor predisposition. Identifiers: Orphanet 140162, MedGen C0027672, MeSH D009386, MONDO:0015356.
Hereditary breast ovarian cancer syndrome. Also called: BRCA1- and BRCA2-Associated Hereditary Breast and Ovarian Cancer; Hereditary breast and ovarian cancer syndrome; Hereditary breast and ovarian cancer syndrome (HBOC); Breast and ovarian cancer; Hereditary breast and/or ovarian cancer syndrome; Hereditary breast and ovarian cancer. Identifiers: Orphanet 145, MedGen C0677776, MeSH D061325, MONDO:0003582. Disease mechanism: loss of function.
Breast-ovarian cancer, familial, susceptibility to, 1 (BROVCA1). Also called: BRCA1 Hereditary Breast and Ovarian Cancer; OVARIAN CANCER, SUSCEPTIBILITY TO. Identifiers: Orphanet 145, MedGen C2676676, MONDO:0011450, OMIM 604370. Disease mechanism: loss of function.

Allele frequency attached by ClinVar (database versions not stated): TOPMed below 0.00001; gnomAD exomes below 0.00001.
gnomAD v4.1: 4 of 1,614,206 alleles (0.00025%); highest among the groups gnomAD compares: Non-Finnish European, 0.00034%; no homozygotes.

Submissions (8):

Ambry Genetics
Classification: Uncertain significance for Hereditary cancer-predisposing syndrome. Last evaluated: 2025-08-25. Review status: criteria provided, single submitter. Criteria: Ambry Variant Classification Scheme 2023. Collection method: clinical testing. Allele origin: germline.
Comment: The p.E300D variant (also known as c.900A>C), located in coding exon 9 of the BRCA1 gene, results from an A to C substitution at nucleotide position 900. The glutamic acid at codon 300 is replaced by aspartic acid, an amino acid with highly similar properties. This amino acid position is well conserved in available vertebrate species. In addition, this alteration is predicted to be deleterious by in silico analysis. Since supporting evidence is limited at this time, the clinical significance of this alteration remains unclear.

Quest Diagnostics Nichols Institute San Juan Capistrano
Classification: Uncertain significance. Last evaluated: 2025-06-30. Review status: criteria provided, single submitter. Criteria: Quest Diagnostics criteria. Collection method: clinical testing. Allele origin: unknown.
Comment: The BRCA1 c.900A>C (p.Glu300Asp) variant has been reported in the published literature in an individual with ovarian cancer (PMID: 33888336 (2021)), and described to be located in a region of the BRCA1 gene that is tolerant to missense sequence changes (PMID: 31911673 (2020)). It has also been predicted to affect gene function and deleterious from comparative evolutionary and ancestral methods, and described to be a conservative substitution at a fixed site (PMIDs: 12531920 (2003), 15385441 (2004) and 16518693 (2006)). The frequency of this variant in the general population (Genome Aggregation Database) is uninformative in the assessment of its pathogenicity. Analysis of this variant using bioinformatics tools for the prediction of the effect of amino acid changes on protein structure and function yielded conflicting predictions that this variant is benign or damaging. Based on the available information, we are unable to determine the clinical significance of this variant.

Labcorp Genetics (formerly Invitae), Labcorp
Classification: Uncertain significance for Hereditary breast ovarian cancer syndrome. Last evaluated: 2024-10-11. Review status: criteria provided, single submitter. Criteria: Invitae Variant Classification Sherloc (09022015). Collection method: clinical testing. Allele origin: germline.
Comment: This sequence change replaces glutamic acid, which is acidic and polar, with aspartic acid, which is acidic and polar, at codon 300 of the BRCA1 protein (p.Glu300Asp). This variant is present in population databases (rs80356861, gnomAD 0.0009%). This missense change has been observed in individual(s) with epithelial ovarian cancer (PMID: 33888336). ClinVar contains an entry for this variant (Variation ID: 55747). Invitae Evidence Modeling of protein sequence and biophysical properties (such as structural, functional, and spatial information, amino acid conservation, physicochemical variation, residue mobility, and thermodynamic stability) indicates that this missense variant is expected to disrupt BRCA1 protein function with a positive predictive value of 80%. In summary, the available evidence is currently insufficient to determine the role of this variant in disease. Therefore, it has been classified as a Variant of Uncertain Significance.

All of Us Research Program, National Institutes of Health
Classification: Uncertain significance for Breast-ovarian cancer, familial, susceptibility to, 1. Last evaluated: 2023-05-04. Review status: criteria provided, single submitter. Criteria: ACMG Guidelines, 2015. Collection method: clinical testing. Allele origin: germline. Inheritance: Autosomal dominant inheritance. Observed: 1 variant allele, 1 heterozygote.
Comment: This missense variant replaces glutamic acid with aspartic acid at codon 300 of the BRCA1 protein. Computational prediction suggests that this variant may have deleterious impact on protein structure and function (internally defined REVEL score threshold >= 0.7, PMID: 27666373). To our knowledge, functional studies have not been reported for this variant. This variant has been reported in an individual affected with ovarian cancer (PMID: 33888336). This variant has been identified in 1/251302 chromosomes in the general population by the Genome Aggregation Database (gnomAD). The available evidence is insufficient to determine the role of this variant in disease conclusively. Therefore, this variant is classified as a Variant of Uncertain Significance.

This study involves interpretation of variants in research participants for the purpose of population health screening. Participant phenotype was not available at the time of variant classification. Additional details can be found in publication PMID: 35346344, PMCID: PMC8962531

Color Diagnostics, LLC DBA Color Health
Classification: Uncertain significance for Hereditary cancer-predisposing syndrome. Last evaluated: 2023-04-19. Review status: criteria provided, single submitter. Criteria: ACMG Guidelines, 2015. Collection method: clinical testing. Allele origin: germline.
Comment: This missense variant replaces glutamic acid with aspartic acid at codon 300 of the BRCA1 protein. Computational prediction suggests that this variant may have deleterious impact on protein structure and function (internally defined REVEL score threshold >= 0.7, PMID: 27666373). To our knowledge, functional studies have not been reported for this variant. This variant has been reported in an individual affected with ovarian cancer (PMID: 33888336). This variant has been identified in 1/251302 chromosomes in the general population by the Genome Aggregation Database (gnomAD). The available evidence is insufficient to determine the role of this variant in disease conclusively. Therefore, this variant is classified as a Variant of Uncertain Significance.

University of Washington Department of Laboratory Medicine, University of Washington
Classification: Likely benign for Hereditary cancer-predisposing syndrome. Last evaluated: 2023-03-23. Review status: criteria provided, single submitter. Criteria: Dines et al. (Genet Med. 2020). Collection method: curation. Allele origin: germline.
Comment: Missense variant in a coldspot region where missense variants are very unlikely to be pathogenic (PMID:31911673).

BRCA1 coldspot (exon 11 using historical exon numbering). Reclassification based on statistical prior probability

GeneDx
Classification: Uncertain significance. Last evaluated: 2019-11-22. Review status: criteria provided, single submitter. Criteria: GeneDx Variant Classification Process June 2021. Collection method: clinical testing. Allele origin: germline. Affected: yes.
Comment: Has not been previously published as pathogenic or benign to our knowledge; In silico analysis, which includes protein predictors and evolutionary conservation, supports a deleterious effect; Not observed at a significant frequency in large population cohorts (Lek 2016); Also known as 1019A>C; This variant is associated with the following publications: (PMID: 12531920, 15385441, 16518693)

Breast Cancer Information Core (BIC) (BRCA1)
Classification: Uncertain significance for Breast-ovarian cancer, familial 1. Last evaluated: 2002-05-29. Review status: no assertion criteria provided. Collection method: clinical testing. Allele origin: germline. Affected: yes. Observed: 1 variant allele. Not counted in ClinVar's aggregate classification.

Literature cited by the submitters: PubMed 12531920 (cited by Quest Diagnostics Nichols Institute San Juan Capistrano); PubMed 16518693 (cited by Quest Diagnostics Nichols Institute San Juan Capistrano); PubMed 15385441 (cited by Quest Diagnostics Nichols Institute San Juan Capistrano); PubMed 31911673 (cited by Quest Diagnostics Nichols Institute San Juan Capistrano); PubMed 33888336 (cited by 4 submitters).